The following is an entry in ClinVar:

ClinVar aggregate classification (germline): Uncertain significance. Review status: criteria provided, multiple submitters, no conflicts (2 of 4 stars). 7 submissions from 7 submitters: Uncertain significance (6). 1 of the submissions does not count toward it. Last evaluated 2026-06-01.

Conditions:
Cystic fibrosis (CF). Also called: MUCOVISCIDOSIS. Identifiers: Orphanet 586, MedGen C0010674, MONDO:0009061, OMIM 219700. Disease mechanism: loss of function.

Allele frequency attached by ClinVar (database versions not stated): TOPMed 0.00001; gnomAD 0.00001; gnomAD exomes 0.00001.
gnomAD v4.1: 16 of 1,610,688 alleles (0.00099%); highest among the groups gnomAD compares: South Asian, 0.0022%; no homozygotes.

Submissions (7):

Women's Health and Genetics/Laboratory Corporation of America, LabCorp
Classification: Uncertain significance. Last evaluated: 2026-06-01. Review status: criteria provided, single submitter. Criteria: LabCorp Variant Classification Summary - May 2015. Collection method: clinical testing. Allele origin: germline.
Comment: Variant summary: CFTR c.3713A>G (p.Gln1238Arg) results in a conservative amino acid change located in the ABC transporter-like, ATP-binding domain (IPR003439) of the encoded protein sequence. Algorithms developed to predict the effect of missense changes on protein structure and function are either unavailable or do not agree on the potential impact of this missense change. The variant was absent in 247416 control chromosomes. The available data on variant occurrences in the general population are insufficient to allow any conclusion about variant significance. c.3713A>G has been reported in individuals affected with Congenital Bilateral Absence Of The Vas Deferens (e.g. Akinsal_2018, Smits_2019) and Cystic Fibrosis (Claustres_2000, SickKids database). However, these data do not allow any conclusion about variant significance. To our knowledge, no experimental evidence demonstrating an impact on protein function has been reported. The following publications have been ascertained in the context of this evaluation (PMID: 29484681, 10923036, 31672438, 31672438). ClinVar contains an entry for this variant (Variation ID: 53788). Based on the evidence outlined above, the variant was classified as uncertain significance.

Ambry Genetics
Classification: Uncertain significance for Cystic fibrosis. Last evaluated: 2025-07-25. Review status: criteria provided, single submitter. Criteria: Ambry Variant Classification Scheme 2023. Collection method: clinical testing. Allele origin: germline.
Comment: The p.Q1238R variant (also known as c.3713A>G), located in coding exon 22 of the CFTR gene, results from an A to G substitution at nucleotide position 3713. The glutamine at codon 1238 is replaced by arginine, an amino acid with highly similar properties. This alteration was also identified in an individual with congenital bilateral absence of vas deferens in conjunction with a second CFTR variant (Akinsal EC et al. Andrologia, 2018 Feb;:). This amino acid position is highly conserved in available vertebrate species. In addition, this alteration is predicted to be deleterious by in silico analysis. Based on the available evidence, the clinical significance of this variant remains unclear.

Genome-Nilou Lab
Classification: Uncertain significance for Cystic fibrosis. Last evaluated: 2021-09-05. Review status: criteria provided, single submitter. Criteria: ACMG Guidelines, 2015. Collection method: clinical testing. Allele origin: germline. Affected: no.

Labcorp Genetics (formerly Invitae), Labcorp
Classification: Uncertain significance for Cystic fibrosis. Last evaluated: 2021-08-26. Review status: criteria provided, single submitter. Criteria: Invitae Variant Classification Sherloc (09022015). Collection method: clinical testing. Allele origin: germline.
Comment: This sequence change replaces glutamine with arginine at codon 1238 of the CFTR protein (p.Gln1238Arg). The glutamine residue is moderately conserved and there is a small physicochemical difference between glutamine and arginine. This variant is not present in population databases (ExAC no frequency). This missense change has been observed in individual(s) with cystic fibrosis (PMID: 10923036). ClinVar contains an entry for this variant (Variation ID: 53788). Algorithms developed to predict the effect of missense changes on protein structure and function (SIFT, PolyPhen-2, Align-GVGD) all suggest that this variant is likely to be tolerated. In summary, the available evidence is currently insufficient to determine the role of this variant in disease. Therefore, it has been classified as a Variant of Uncertain Significance.

Quest Diagnostics Nichols Institute San Juan Capistrano
Classification: Uncertain significance. Last evaluated: 2019-08-27. Review status: criteria provided, single submitter. Criteria: Quest Diagnostics criteria. Collection method: clinical testing. Allele origin: unknown.

Breakthrough Genomics
Classification: Uncertain significance. Review status: criteria provided, single submitter. Criteria: ACMG Guidelines, 2015. Collection method: not provided. Allele origin: germline. Inheritance: Autosomal recessive inheritance. Affected: yes.

Counsyl
Classification: Uncertain significance for Cystic fibrosis. Last evaluated: 2018-05-16. Review status: no assertion criteria provided. Collection method: clinical testing. Allele origin: unknown. Not counted in ClinVar's aggregate classification.

Literature cited by the submitters: PubMed 10923036 (cited by 4 submitters); PubMed 29484681 (cited by Women's Health and Genetics/Laboratory Corporation of America, LabCorp and Ambry Genetics); PubMed 31672438 (cited by Women's Health and Genetics/Laboratory Corporation of America, LabCorp); PubMed 34996830 (cited by Women's Health and Genetics/Laboratory Corporation of America, LabCorp).

NM_000492.4(CFTR):c.3713A>G (p.Gln1238Arg)

Genes: CFTR (CF transmembrane conductance regulator; plus strand), CFTR-AS2 (CFTR antisense RNA 2; minus strand). Cytogenetic location: 7q31.2.
Variant type: single nucleotide variant.
Coding change: c.3713A>G on transcript NM_000492.4 (MANE Select); coding-DNA position 3713, A replaced by G.
Protein change: p.Gln1238Arg; replaces glutamine 1238 with arginine.
Molecular consequence: missense variant.
Genome position (GRCh38, 1-based): chr7:117,627,766, A>G. VCF-style: chr7-117627766-A-G. GRCh37 (hg19) VCF-style: chr7-117267820-A-G.
Other names: short protein forms Q1238R.
Identifiers: ClinVar variation 53788 (VCV000053788.15), dbSNP rs397508594, ClinGen allele CA327253.
Genomic context (GRCh38, chr7:117,627,766, plus strand): 5'-AATACACAGAAGGTGGAAATGCCATATTAGAGAACATTTCCTTCTCAATAAGTCCTGGCC[A>G]GAGGGTGAGATTTGAACACTGCTTGCTTTGTTAGACTGTGTTCAGTAAGTGAATCCCAGT-3'
Protein context (NP_000483.3, residues 1228-1248): ENISFSISPG[Gln1238Arg]RVGLLGRTGS